The following is an entry in ClinVar:

ClinVar aggregate classification (germline): Uncertain significance (1 of 4 stars; one submission).

Allele frequency attached by ClinVar (database versions not stated): gnomAD 0.00001.
gnomAD v4.1: 17 of 1,549,780 alleles (0.0011%); highest among the groups gnomAD compares: Non-Finnish European, 0.0015%; no homozygotes.

Submission:

CeGaT Center for Human Genetics Tuebingen
Classification: Uncertain significance. Last evaluated: 2023-09-01. Review status: criteria provided, single submitter. Criteria: CeGaT Center For Human Genetics Tuebingen Variant Classification Criteria Version 2. Collection method: clinical testing. Allele origin: germline. Affected: yes. Observed: 1 variant allele.
Comment: TPM1: PM2, BP4

NM_001018005.2(TPM1):c.115-255C>T

Gene: TPM1 (tropomyosin 1; plus strand). Cytogenetic location: 15q22.2.
Variant type: single nucleotide variant.
Coding change: c.115-255C>T on transcript NM_001018005.2 (MANE Select); 255 bases into the intron before coding-DNA position 115, C replaced by T.
Molecular consequence: intron variant. On other transcripts: synonymous variant (14), non-coding transcript variant (2).
Genome position (GRCh38, 1-based): chr15:63,043,772, C>T. VCF-style: chr15-63043772-C-T. GRCh37 (hg19) VCF-style: chr15-63335971-C-T.
Other names: c.181C>T, p.Leu61= (NM_001018007.2, NM_001018020.2, NM_001301244.2 and 11 more transcripts); c.115-255C>T (NM_001407326.1, NM_001407337.1, NM_001018006.2 and 10 more transcripts).
Identifiers: ClinVar variation 2582935 (VCV002582935.25), dbSNP rs1244625759, ClinGen allele CA618528769.